The following is an entry in ClinVar:

ClinVar aggregate classification (germline): Pathogenic. Review status: reviewed by expert panel (3 of 4 stars). 2 submissions from 2 submitters: Pathogenic (1). 1 of the submissions does not count toward it. Last evaluated 2021-08-24.

Conditions:
Monogenic diabetes. Identifiers: Orphanet 183625, MedGen C3888631, MONDO:0015967.

Submissions (2):

ClinGen Monogenic Diabetes Variant Curation Expert Panel
Classification: Pathogenic for Monogenic diabetes. Last evaluated: 2021-08-24. Review status: reviewed by expert panel. Criteria: ClinGen Diabetes ACMG Specifications v1 1. Collection method: curation. Allele origin: germline. Inheritance: Autosomal dominant inheritance.
Comment: The c.425C>T variant in the HNF1 homeobox A gene, HNF1A, causes an amino acid change of serine to phenylalanine at codon 142 (p.(Ser142Phe)) of NM_000545.8. This variant is located within the DNA binding domain (codons 107-174) of HNF1A, which is defined as critical for the protein’s function by the ClinGen MDEP (PM1_Supporting). This is supported by functional studies that demonstrated the p.Ser142Phe protein has DNA binding below 40% of wild type, indicating that this variant impacts protein function (PS3_Supporting, PMID: 10585442). This variant is also predicted to be deleterious by computational evidence, with a REVEL score of 0.977, which is greater than the MDEP threshold of 0.70 (PP3). This variant is absent in gnomAD v2.1.1 (PM2_Supporting), and was identified in at least 9 unrelated individuals with non- autoimmune and non-absolute/near-absolute insulin-deficient diabetes (PS4; PMID 31968686, PMID 9097962, PMID: 23610083, PMID: 21224407, internal lab contributors). This variant segregated with diabetes, with 14 informative meioses in 5 families with MODY (PP1_Strong; PMID 31968686, PMID 9097962, internal lab contributors). This variant was identified in an individual with diabetes with a calculated MODY probability of <50%, however the presence of a moderate level of criteria (persistent C-peptide) allows the application of this criteria at a supporting level per the ClinGen MDEP's approval (PP4; PMID 31968686). Taken together, this evidence supports the classification of this variant as pathogenic for monogenic diabetes. ACMG/AMP criteria applied (specification version 1.0, approved 8/24/21): PP1_Strong, PS4, PP3, PP4, PM1_Supporting, PM2_Supporting, PS3_Supporting.

Revvity Omics, Revvity
Classification: Pathogenic. Last evaluated: 2022-03-03. Review status: criteria provided, single submitter. Criteria: ACMG Guidelines, 2015. Collection method: clinical testing. Allele origin: germline. Not counted in ClinVar's aggregate classification.

NM_000545.8(HNF1A):c.425C>T (p.Ser142Phe)

Gene: HNF1A (HNF1 homeobox A; plus strand). Cytogenetic location: 12q24.31.
Variant type: single nucleotide variant.
Coding change: c.425C>T on transcript NM_000545.8 (MANE Select); coding-DNA position 425, C replaced by T.
Protein change: p.Ser142Phe; replaces serine 142 with phenylalanine.
Molecular consequence: missense variant.
Genome position (GRCh38, 1-based): chr12:120,988,931, C>T. VCF-style: chr12-120988931-C-T. GRCh37 (hg19) VCF-style: chr12-121426734-C-T.
Other names: NM_001306179.2:c.425C>T; c.425C>T, p.Ser142Phe (NM_001306179.2); c.425C>T (NM_000545.6); short protein forms S142F.
Identifiers: ClinVar variation 1327620 (VCV001327620.6), dbSNP rs2135832668, ClinGen allele CA386959900.